The following is an entry in ClinVar:

NM_015072.5(TTLL5):c.3344dup (p.Phe1116fs)

Gene: TTLL5 (tubulin tyrosine ligase like 5; plus strand). Cytogenetic location: 14q24.3.
Variant type: Duplication.
Coding change: c.3344dup on transcript NM_015072.5 (MANE Select); coding-DNA position 3344, one base duplicated (G; older notation c.3344dupG).
Protein change: p.Phe1116fs; shifts the reading frame from phenylalanine 1116.
Molecular consequence: frameshift variant.
Genome position (GRCh38, 1-based): chr14:75,863,684, G duplicated; the last of 5 consecutive G bases (chr14:75,863,680-75,863,684); duplicating any one gives the same sequence. VCF-style (leftmost placement, unchanged base first): chr14-75863679-A-AG. GRCh37 (hg19) VCF-style: chr14-76330022-A-AG.
Other names: short protein forms F1116fs.
Identifiers: ClinVar variation 1457257 (VCV001457257.6), dbSNP rs2139945350, ClinGen allele CA2573150223.

ClinVar aggregate classification (germline): Pathogenic (1 of 4 stars; one submission).

Submission:

Labcorp Genetics (formerly Invitae), Labcorp
Classification: Pathogenic. Last evaluated: 2022-06-27. Review status: criteria provided, single submitter. Criteria: Invitae Variant Classification Sherloc (09022015). Collection method: clinical testing. Allele origin: germline.
Comment: For these reasons, this variant has been classified as Pathogenic. This variant has not been reported in the literature in individuals affected with TTLL5-related conditions. This variant is not present in population databases (gnomAD no frequency). This sequence change creates a premature translational stop signal (p.Phe1116Ilefs*41) in the TTLL5 gene. It is expected to result in an absent or disrupted protein product. Loss-of-function variants in TTLL5 are known to be pathogenic (PMID: 24791901, 27162334).

Literature cited by the submitters: PubMed 24791901; PubMed 27162334.